The following is an entry in ClinVar:

ClinVar aggregate classification (germline): Uncertain significance. Review status: criteria provided, multiple submitters, no conflicts (2 of 4 stars). 2 submissions from 2 submitters: Uncertain significance (2). Last evaluated 2024-09-04.

Conditions:
Hereditary cancer-predisposing syndrome. Also called: Tumor predisposition; Hereditary neoplastic syndrome; Neoplastic Syndromes, Hereditary; Hereditary Cancer Syndrome. Identifiers: Orphanet 140162, MedGen C0027672, MeSH D009386, MONDO:0015356.

Submissions (2):

Ambry Genetics
Classification: Uncertain significance for Hereditary cancer-predisposing syndrome. Last evaluated: 2024-09-04. Review status: criteria provided, single submitter. Criteria: Ambry Variant Classification Scheme 2023. Collection method: clinical testing. Allele origin: germline.
Comment: The p.Q166R variant (also known as c.497A>G), located in coding exon 3 of the NTHL1 gene, results from an A to G substitution at nucleotide position 497. The glutamine at codon 166 is replaced by arginine, an amino acid with highly similar properties. This amino acid position is conserved. In addition, this alteration is predicted to be tolerated by in silico analysis. Based on the available evidence, the clinical significance of this variant remains unclear.

Labcorp Genetics (formerly Invitae), Labcorp
Classification: Uncertain significance. Last evaluated: 2023-02-06. Review status: criteria provided, single submitter. Criteria: Invitae Variant Classification Sherloc (09022015). Collection method: clinical testing. Allele origin: germline.
Comment: This variant is not present in population databases (gnomAD no frequency). This variant has not been reported in the literature in individuals affected with NTHL1-related conditions. Algorithms developed to predict the effect of missense changes on protein structure and function output the following: SIFT: "Not Available"; PolyPhen-2: "Benign"; Align-GVGD: "Not Available". The arginine amino acid residue is found in multiple mammalian species, which suggests that this missense change does not adversely affect protein function. In summary, the available evidence is currently insufficient to determine the role of this variant in disease. Therefore, it has been classified as a Variant of Uncertain Significance. This sequence change replaces glutamine, which is neutral and polar, with arginine, which is basic and polar, at codon 166 of the NTHL1 protein (p.Gln166Arg).

NM_002528.7(NTHL1):c.473A>G (p.Gln158Arg)

Gene: NTHL1 (nth like DNA glycosylase 1; minus strand). Cytogenetic location: 16p13.3.
Variant type: single nucleotide variant.
Coding change: c.473A>G on transcript NM_002528.7 (MANE Select); coding-DNA position 473, A replaced by G.
Protein change: p.Gln158Arg; replaces glutamine 158 with arginine.
Molecular consequence: missense variant. On other transcripts: intron variant (1).
Genome position (GRCh38, 1-based): chr16:2,044,682, T>C on the plus strand (A>G on the coding strand, the complement: NTHL1 is on the minus strand). VCF-style: chr16-2044682-T-C. GRCh37 (hg19) VCF-style: chr16-2094683-T-C.
Other names: c.497A>G (NM_002528.5); c.143A>G, p.Gln48Arg (NM_001318194.2); c.355-956A>G (NM_001318193.2); short protein forms Q158R, Q48R.
Identifiers: ClinVar variation 1940370 (VCV001940370.6), dbSNP rs2548316216, ClinGen allele CA394294214.